The following is an entry in ClinVar:

ClinVar aggregate classification (germline): Uncertain significance (1 of 4 stars; one submission).

Conditions:
Charcot-Marie-Tooth disease axonal type 2S. Also called: CHARCOT-MARIE-TOOTH DISEASE, AXONAL, AUTOSOMAL RECESSIVE, TYPE 2S; CHARCOT-MARIE-TOOTH NEUROPATHY, TYPE 2S. Identifiers: Orphanet 443073, MedGen C4015349, MONDO:0014511, OMIM 616155.
Autosomal recessive distal spinal muscular atrophy 1. Also called: NEURONOPATHY, SEVERE INFANTILE AXONAL, WITH RESPIRATORY FAILURE; SEVERE INFANTILE AXONAL NEUROPATHY WITH RESPIRATORY FAILURE; SPINAL MUSCULAR ATROPHY, DIAPHRAGMATIC; HMN VI; NEURONOPATHY, DISTAL HEREDITARY MOTOR, HARDING TYPE VI; NEUROPATHY, DISTAL HEREDITARY MOTOR, AUTOSOMAL RECESSIVE 1. Identifiers: Orphanet 98920, MedGen C1858517, MONDO:0011436, OMIM 604320.

Submission:

Labcorp Genetics (formerly Invitae), Labcorp
Classification: Uncertain significance for Autosomal recessive distal spinal muscular atrophy 1; Charcot-Marie-Tooth disease axonal type 2S. Last evaluated: 2024-10-16. Review status: criteria provided, single submitter. Criteria: Invitae Variant Classification Sherloc (09022015). Collection method: clinical testing. Allele origin: germline.
Comment: This sequence change replaces lysine, which is basic and polar, with methionine, which is neutral and non-polar, at codon 157 of the IGHMBP2 protein (p.Lys157Met). This variant is not present in population databases (gnomAD no frequency). This missense change has been observed in individual(s) with clinical features of IGHMBP2-related conditions (internal data). ClinVar contains an entry for this variant (Variation ID: 852485). Invitae Evidence Modeling of protein sequence and biophysical properties (such as structural, functional, and spatial information, amino acid conservation, physicochemical variation, residue mobility, and thermodynamic stability) has been performed for this missense variant. However, the output from this modeling did not meet the statistical confidence thresholds required to predict the impact of this variant on IGHMBP2 protein function. In summary, the available evidence is currently insufficient to determine the role of this variant in disease. Therefore, it has been classified as a Variant of Uncertain Significance.

NM_002180.3(IGHMBP2):c.470A>T (p.Lys157Met)

Gene: IGHMBP2 (immunoglobulin mu DNA binding protein 2; plus strand). Cytogenetic location: 11q13.3.
Variant type: single nucleotide variant.
Coding change: c.470A>T on transcript NM_002180.3 (MANE Select); coding-DNA position 470, A replaced by T.
Protein change: p.Lys157Met; replaces lysine 157 with methionine.
Molecular consequence: missense variant.
Genome position (GRCh38, 1-based): chr11:68,908,554, A>T. VCF-style: chr11-68908554-A-T. GRCh37 (hg19) VCF-style: chr11-68676022-A-T.
Other names: short protein forms K157M.
Identifiers: ClinVar variation 852485 (VCV000852485.8), dbSNP rs1858294631, ClinGen allele CA381643455.